The following is an entry in ClinVar:

NM_000875.5(IGF1R):c.1093C>T (p.Arg365Ter)

Genes: IGF1R (insulin like growth factor 1 receptor; plus strand), LOC126862245 (P300/CBP strongly-dependent group 1 enhancer GRCh37_chr15:99439536-99440735; plus strand). Cytogenetic location: 15q26.3.
Variant type: single nucleotide variant.
Coding change: c.1093C>T on transcript NM_000875.5 (MANE Select); coding-DNA position 1093, C replaced by T.
Protein change: p.Arg365Ter; replaces arginine 365 with a stop codon.
Molecular consequence: nonsense.
Genome position (GRCh38, 1-based): chr15:98,896,896, C>T. VCF-style: chr15-98896896-C-T. GRCh37 (hg19) VCF-style: chr15-99440125-C-T.
Other names: c.1093C>T, p.Arg365Ter (NM_001291858.2); short protein forms R365*.
Identifiers: ClinVar variation 1172619 (VCV001172619.5), dbSNP rs2151652750, ClinGen allele CA393671554.

ClinVar aggregate classification (germline): Pathogenic/Likely pathogenic. Review status: criteria provided, multiple submitters, no conflicts (2 of 4 stars). 4 submissions from 4 submitters: Pathogenic (1); Likely pathogenic (3). Last evaluated 2024-11-12.

Conditions:
Growth delay due to insulin-like growth factor I resistance. Also called: Insulin-Like Growth Factor I Resistance; Somatomedin end-organ insensitivity to; Somatomedin-c resistance to; IGF-1 resistance; IGF-I RESISTANCE. Identifiers: Orphanet 73273, MedGen C1849157, MONDO:0010038, OMIM 270450.
Intellectual disability. Also called: Intellectual functioning disability; intellectual disabilities; Intellectual developmental disorder. Identifiers: MedGen C3714756, MeSH D008607, MONDO:0001071, HP:0001249.
IGF1R-related disorder. Also called: IGF1R-related condition.

Submissions (4):

GeneDx
Classification: Likely pathogenic. Last evaluated: 2024-11-12. Review status: criteria provided, single submitter. Criteria: GeneDx Variant Classification Process June 2021. Collection method: clinical testing. Allele origin: germline.
Comment: Nonsense variant predicted to result in protein truncation or nonsense mediated decay in a gene for which loss of function is a known mechanism of disease; Not observed at significant frequency in large population cohorts (gnomAD); Has been reported in association with growth delay; however, no specific clinical features or detailed segregation information was provided in this report (PMID: 30848790); This variant is associated with the following publications: (PMID: 37586840, 30848790)

Institute of Human Genetics, University of Leipzig Medical Center
Classification: Pathogenic for Growth delay due to insulin-like growth factor I resistance. Last evaluated: 2022-03-29. Review status: criteria provided, single submitter. Criteria: ACMG Guidelines, 2015. Collection method: clinical testing. Allele origin: unknown. Affected: yes.
Comment: _x000D_ Criteria applied: PVS1, PS4_SUP, PM2_SUP

Blueprint Genetics
Classification: Likely pathogenic for IGF1R-related disorders. Last evaluated: 2021-04-11. Review status: criteria provided, single submitter. Criteria: ACMG Guidelines, 2015. Collection method: clinical testing. Allele origin: germline. Affected: yes. Observed: 1 variant allele.

Equipe Genetique des Anomalies du Developpement, Université de Bourgogne
Classification: Likely pathogenic for Intellectual disability. Review status: criteria provided, single submitter. Criteria: ACMG Guidelines, 2015. Collection method: clinical testing. Allele origin: paternal. Affected: yes.